The following is an entry in ClinVar:

ClinVar aggregate classification (germline): Pathogenic/Likely pathogenic. Review status: criteria provided, multiple submitters, no conflicts (2 of 4 stars). 2 submissions from 2 submitters: Pathogenic (1); Likely pathogenic (1). Last evaluated 2025-04-30.

Conditions:
Cystic fibrosis (CF). Also called: MUCOVISCIDOSIS. Identifiers: Orphanet 586, MedGen C0010674, MONDO:0009061, OMIM 219700. Disease mechanism: loss of function.

Submissions (2):

Quest Diagnostics Nichols Institute San Juan Capistrano
Classification: Likely pathogenic. Last evaluated: 2025-04-30. Review status: criteria provided, single submitter. Criteria: Quest Diagnostics criteria. Collection method: clinical testing. Allele origin: unknown.
Comment: The CFTR c.1464_1476del (p.Cys491Profs*32) variant alters the translational reading frame of the CFTR mRNA and is predicted to cause the premature termination of CFTR protein synthesis. This variant has not been reported in individuals with CFTR-related conditions in the published literature. This variant has not been reported in large, multi-ethnic general populations (Genome Aggregation Database). Based on the available information, this variant is classified as likely pathogenic.

Labcorp Genetics (formerly Invitae), Labcorp
Classification: Pathogenic for Cystic fibrosis. Last evaluated: 2021-11-26. Review status: criteria provided, single submitter. Criteria: Invitae Variant Classification Sherloc (09022015). Collection method: clinical testing. Allele origin: germline.
Comment: This sequence change creates a premature translational stop signal (p.Cys491Profs*32) in the CFTR gene. It is expected to result in an absent or disrupted protein product. Loss-of-function variants in CFTR are known to be pathogenic (PMID: 1695717, 7691345, 9725922). For these reasons, this variant has been classified as Pathogenic. This variant has not been reported in the literature in individuals affected with CFTR-related conditions. This variant is not present in population databases (gnomAD no frequency).

Literature cited by the submitters: PubMed 1695717 (cited by Labcorp Genetics (formerly Invitae), Labcorp); PubMed 7691345 (cited by Labcorp Genetics (formerly Invitae), Labcorp); PubMed 9725922 (cited by Labcorp Genetics (formerly Invitae), Labcorp).

NM_000492.4(CFTR):c.1464_1476del (p.Cys491fs)

Genes: CFTR (CF transmembrane conductance regulator; plus strand), CFTR-AS1 (CFTR antisense RNA 1; minus strand). Cytogenetic location: 7q31.2.
Variant type: Deletion.
Coding change: c.1464_1476del on transcript NM_000492.4 (MANE Select); coding-DNA positions 1464 to 1476, 13 bases deleted (TTCATTCTGTTCT).
Protein change: p.Cys491fs; shifts the reading frame from cysteine 491.
Molecular consequence: frameshift variant.
Genome position (GRCh38, 1-based): chr7:117,559,535-117,559,547, TTCATTCTGTTCT deleted; deleting any 13 consecutive bases within chr7:117,559,534-117,559,547 gives the same sequence; the c. name uses the placement nearest the transcript's 3' end. VCF-style (leftmost placement, unchanged base first): chr7-117559533-ATTTCATTCTGTTC-A. GRCh37 (hg19) VCF-style: chr7-117199587-ATTTCATTCTGTTC-A.
Other names: c.1464_1476del (NM_000492.3); short protein forms C491fs.
Identifiers: ClinVar variation 1452289 (VCV001452289.7), dbSNP rs2115937867, ClinGen allele CA2573141543.